The following is an entry in ClinVar:

ClinVar aggregate classification (germline): Conflicting classifications of pathogenicity. Review status: criteria provided, conflicting classifications (1 of 4 stars). 4 submissions from 4 submitters: Uncertain significance (1); Benign (3). Last evaluated 2026-09-23.

Conditions:
Huntington disease (HD). Also called: HUNTINGTON CHOREA; Huntington's chorea; Huntington's disease. Identifiers: Orphanet 248111, Orphanet 399, MedGen C0020179, MONDO:0007739, OMIM 143100.

Submissions (4):

Department Of Human Genetics, Institute Of Clinical And Translational Research, Biomedical Research Center, Slovak Academy Of Sciences
Classification: Benign for Huntington disease. Last evaluated: 2026-09-23. Review status: criteria provided, single submitter. Criteria: ACMG Guidelines for Huntington disease, 2014. Collection method: research. Allele origin: germline. Inheritance: Autosomal dominant inheritance.
Comment: The NC_000004.12.g.3074878_3074940AGC[20]AAC[1]AGC[1] allele represents a complex trinucleotide repeat sequence in the HTT (huntingtin) gene. The repeat tract consists of 20 consecutive AGC repeats, followed by one AAC repeat and one additional AGC repeat. This sequence corresponds to 20 uninterrupted glutamine-encoding units or 22 interrupted glutamine-encoding repeat units (this count the AAC interruption and the additional AGC to the total number of repeats on the DNA level, while all resulting in glutamine residues at the protein level). Huntington disease (HD) is an autosomal dominant neurodegenerative disorder caused by an expansion of the CAG trinucleotide repeat in exon 1 of the HTT gene. HTT alleles containing 26 or fewer CAG repeats are considered within the normal range, whereas alleles containing 27–35 repeats are classified as intermediate/premutation, 36-39 repeats as reduced-penetrance pathogenic alleles, and 40 or more repeats as full-penetrance pathogenic alleles. This allele falls into the benign range both when considering the 20 uninterrupted as well as the 22 interrupted glutamine-encoding repeats. The allele reached 12.15% frequency in the general population of Slovakia (in 609 genotyped alleles).

Laboratory of Genetics, Children's Clinical University Hospital Latvia
Classification: Benign. Last evaluated: 2025-02-16. Review status: criteria provided, single submitter. Criteria: ACMG Guidelines, 2015. Collection method: clinical testing. Allele origin: germline. Affected: yes.

Blueprint Genetics
Classification: Benign. Last evaluated: 2024-11-26. Review status: criteria provided, single submitter. Criteria: ACMG Guidelines, 2015. Collection method: clinical testing. Allele origin: germline.

Dubai Health Genomic Medicine Center, Dubai Health
Classification: Uncertain significance for Huntington disease. Last evaluated: 2020-01-06. Review status: criteria provided, single submitter. Criteria: ACMG Guidelines, 2015. Collection method: clinical testing. Allele origin: germline. Affected: yes.

NM_001388492.1(HTT):c.54GCA[22] (p.Gln36_Gln38dup)

Genes: HTT (huntingtin; plus strand), LOC109461479 (huntingtin repeat instability region; plus strand), LOC129929027 (ATAC-STARR-seq lymphoblastoid silent region 15199; plus strand). Cytogenetic location: 4p16.3.
Variant type: Microsatellite.
Coding change: c.54GCA[22] on transcript NM_001388492.1 (MANE Select); 22 copies in a row of the 3-base unit GCA starting at c.54.
Protein change: p.Gln36_Gln38dup.
Molecular consequence: inframe insertion.
Genome position: GRCh38 VCF-style: chr4-3074876-C-CCAG. GRCh37 (hg19) VCF-style: chr4-3076603-C-CCAG.
Other names: c.54GCA[22], p.Gln40dup (NM_002111.8); c.108_110delGCA (NM_002111.8).
Identifiers: ClinVar variation 1301634 (VCV001301634.5), dbSNP rs71180116, ClinGen allele CA2823081.